The following is an entry in ClinVar:

NM_001044385.3(TMEM237):c.869+1del

Gene: TMEM237 (transmembrane protein 237; minus strand). Cytogenetic location: 2q33.1.
Variant type: Deletion.
Coding change: c.869+1del on transcript NM_001044385.3 (MANE Select); the canonical splice donor site of the intron after coding-DNA position 869, one base deleted (G; older notation c.869+1delG).
Molecular consequence: splice donor variant.
Genome position (GRCh38, 1-based): chr2:201,629,229, C deleted on the plus strand (G on the coding strand, the reverse complement: TMEM237 is on the minus strand); the first of 2 consecutive C bases (chr2:201,629,229-201,629,230); deleting either gives the same sequence. VCF-style (leftmost placement, unchanged base first): chr2-201629228-AC-A. GRCh37 (hg19) VCF-style: chr2-202493951-AC-A.
Other names: c.845+1del (NM_152388.4).
Identifiers: ClinVar variation 1065465 (VCV001065465.9), dbSNP rs1311551510, ClinGen allele CA763364528.

ClinVar aggregate classification (germline): Pathogenic. Review status: criteria provided, multiple submitters, no conflicts (2 of 4 stars). 3 submissions from 2 submitters: Pathogenic (3). Last evaluated 2021-04-29.

Conditions:
Joubert syndrome 14 (JBTS14). Identifiers: MedGen C3280766, MONDO:0013745, OMIM 614424.

Submissions (3):

Labcorp Genetics (formerly Invitae), Labcorp
Classification: Pathogenic for Joubert syndrome 14. Last evaluated: 2021-04-29. Review status: criteria provided, single submitter. Criteria: Invitae Variant Classification Sherloc (09022015). Collection method: clinical testing. Allele origin: germline.
Comment: This sequence change creates a premature translational stop signal (p.Ile291fs*8) in the TMEM237 gene. It is expected to result in an absent or disrupted protein product. Loss-of-function variants in TMEM237 are known to be pathogenic (PMID: 22152675). This variant is not present in population databases (ExAC no frequency). This variant has not been reported in the literature in individuals with TMEM237-related conditions. Algorithms developed to predict the effect of sequence changes on RNA splicing suggest that this variant may disrupt the consensus splice site, but this prediction has not been confirmed by published transcriptional studies. For these reasons, this variant has been classified as Pathogenic.

Genomic Medicine Lab, University of California San Francisco
Classification: Pathogenic for Joubert syndrome 14. Last evaluated: 2020-06-18. Review status: criteria provided, single submitter. Criteria: ACMG Guidelines, 2015. Collection method: clinical testing. Allele origin: maternal. Inheritance: Autosomal recessive inheritance. Affected: yes. Study: CSER-P3EGS.

Genomic Medicine Lab, University of California San Francisco
Classification: Pathogenic for Joubert syndrome 14. Review status: criteria provided, single submitter. Criteria: ACMG Guidelines, 2015. Collection method: clinical testing. Allele origin: maternal. Study: CSER.

Literature cited by the submitters: PubMed 22152675 (cited by Labcorp Genetics (formerly Invitae), Labcorp).